The following is an entry in ClinVar:

NM_015450.3(POT1):c.241T>C (p.Phe81Leu)

Gene: POT1 (protection of telomeres 1; minus strand). Cytogenetic location: 7q31.33.
Variant type: single nucleotide variant.
Coding change: c.241T>C on transcript NM_015450.3 (MANE Select); coding-DNA position 241, T replaced by C.
Protein change: p.Phe81Leu; replaces phenylalanine 81 with leucine.
Molecular consequence: missense variant. On other transcripts: non-coding transcript variant (3), intron variant (1).
Genome position (GRCh38, 1-based): chr7:124,870,925, A>G on the plus strand (T>C on the coding strand, the complement: POT1 is on the minus strand). VCF-style: chr7-124870925-A-G. GRCh37 (hg19) VCF-style: chr7-124510979-A-G.
Other names: c.-138-7285T>C (NM_001042594.2); short protein forms F81L.
Identifiers: ClinVar variation 4539367 (VCV004539367.1).

ClinVar aggregate classification (germline): Uncertain significance (1 of 4 stars; one submission).

Submission:

Center for Genomic Medicine, Rigshospitalet, Copenhagen University Hospital
Classification: Uncertain significance. Last evaluated: 2025-12-29. Review status: criteria provided, single submitter. Criteria: ACMG Guidelines, 2015. Collection method: clinical testing. Allele origin: germline.
Comment: Classification criteria: PM2, BP4_strong